The following is an entry in ClinVar:

ClinVar aggregate classification (germline): Uncertain significance (1 of 4 stars; one submission).

Conditions:
Long QT syndrome (LQTS). Identifiers: MedGen C0023976, MeSH D008133, MONDO:0002442. Disease mechanism: loss of function. Inheritance: Various modes of inheritance.

Allele frequency attached by ClinVar (database versions not stated): ExAC 0.00001.

Submission:

Labcorp Genetics (formerly Invitae), Labcorp
Classification: Uncertain significance for Long QT syndrome. Last evaluated: 2023-09-27. Review status: criteria provided, single submitter. Criteria: Invitae Variant Classification Sherloc (09022015). Collection method: clinical testing. Allele origin: germline.
Comment: This sequence change replaces threonine, which is neutral and polar, with serine, which is neutral and polar, at codon 2794 of the AKAP9 protein (p.Thr2794Ser). This variant is present in population databases (rs761347157, gnomAD 0.006%). This variant has not been reported in the literature in individuals affected with AKAP9-related conditions. An algorithm developed to predict the effect of missense changes on protein structure and function (PolyPhen-2) suggests that this variant is likely to be disruptive. In summary, the available evidence is currently insufficient to determine the role of this variant in disease. Therefore, it has been classified as a Variant of Uncertain Significance.

NM_005751.5(AKAP9):c.8380A>T (p.Thr2794Ser)

Gene: AKAP9 (A-kinase anchoring protein 9; plus strand). Cytogenetic location: 7q21.2.
Variant type: single nucleotide variant.
Coding change: c.8380A>T on transcript NM_005751.5 (MANE Select); coding-DNA position 8380, A replaced by T.
Protein change: p.Thr2794Ser; replaces threonine 2794 with serine.
Molecular consequence: missense variant.
Genome position (GRCh38, 1-based): chr7:92,083,389, A>T. VCF-style: chr7-92083389-A-T. GRCh37 (hg19) VCF-style: chr7-91712703-A-T.
Other names: c.3025A>T, p.Thr1009Ser (NM_001379277.1); c.8356A>T, p.Thr2786Ser (NM_147185.3); short protein forms T2786S, T2794S, T1009S.
Identifiers: ClinVar variation 2915215 (VCV002915215.3), dbSNP rs761347157, ClinGen allele CA4337477.